The following is an entry in ClinVar:

NM_000285.4(PEPD):c.881C>G (p.Ala294Gly)

Gene: PEPD (peptidase D; minus strand). Cytogenetic location: 19q13.11.
Variant type: single nucleotide variant.
Coding change: c.881C>G on transcript NM_000285.4 (MANE Select); coding-DNA position 881, C replaced by G.
Protein change: p.Ala294Gly; replaces alanine 294 with glycine.
Molecular consequence: missense variant.
Genome position (GRCh38, 1-based): chr19:33,401,807, G>C on the plus strand (C>G on the coding strand, the complement: PEPD is on the minus strand). VCF-style: chr19-33401807-G-C. GRCh37 (hg19) VCF-style: chr19-33892713-G-C.
Other names: c.758C>G, p.Ala253Gly (NM_001166056.2); c.689C>G, p.Ala230Gly (NM_001166057.2); short protein forms A230G, A294G, A253G.
Identifiers: ClinVar variation 2128545 (VCV002128545.4), dbSNP rs1402609939, ClinGen allele CA405224495.
Genomic context (GRCh38, chr19:33,401,807, plus strand): 5'-CGGGAGCTCCGCAGCACTGCCTCATAGACGGCCTTCTGGTCTGCAGTGAACTTGCCGTTG[G>C]CGGGAAAGGAGCAGGTGATGTCGGAAGCGAAGCAGTAATACTCACCGCCCATGTCGAACA-3'
Protein context (NP_000276.2, residues 284-304): FASDITCSFP[Ala294Gly]NGKFTADQKA

ClinVar aggregate classification (germline): Uncertain significance (1 of 4 stars; one submission).

Submission:

Labcorp Genetics (formerly Invitae), Labcorp
Classification: Uncertain significance. Last evaluated: 2022-04-20. Review status: criteria provided, single submitter. Criteria: Invitae Variant Classification Sherloc (09022015). Collection method: clinical testing. Allele origin: germline.
Comment: In summary, the available evidence is currently insufficient to determine the role of this variant in disease. Therefore, it has been classified as a Variant of Uncertain Significance. Algorithms developed to predict the effect of missense changes on protein structure and function are either unavailable or do not agree on the potential impact of this missense change (SIFT: "Deleterious"; PolyPhen-2: "Possibly Damaging"; Align-GVGD: "Class C0"). This variant has not been reported in the literature in individuals affected with PEPD-related conditions. This variant is not present in population databases (gnomAD no frequency). This sequence change replaces alanine, which is neutral and non-polar, with glycine, which is neutral and non-polar, at codon 294 of the PEPD protein (p.Ala294Gly).